The following is an entry in ClinVar:

ClinVar aggregate classification (germline): Benign/Likely benign. Review status: criteria provided, multiple submitters, no conflicts (2 of 4 stars). 8 submissions from 8 submitters: Benign (2); Likely benign (2). 4 of the submissions do not count toward it. Last evaluated 2026-09-01.

Conditions:
KMT2C-related disorder. Also called: KMT2C-related condition; KMT2C-related disorders.

Allele frequency attached by ClinVar (database versions not stated): TOPMed 0.00264; gnomAD exomes 0.00362 and 0.00208; 1000 Genomes Project 0.00060; 1000 Genomes Project 30x 0.00062; ExAC 0.00186; ESP Exome Variant Server 0.00200; gnomAD 0.00239 and 0.00249.
gnomAD v4.1: 5,609 of 1,614,092 alleles (0.35%); highest among the groups gnomAD compares: Non-Finnish European, 0.43%; 12 homozygotes.

Submissions (8):

CeGaT Center for Human Genetics Tuebingen
Classification: Likely benign. Last evaluated: 2026-09-01. Review status: criteria provided, single submitter. Criteria: CeGaT Center For Human Genetics Tuebingen Variant Classification Criteria Version 2. Collection method: clinical testing. Allele origin: germline. Affected: yes. Observed: 18 variant alleles.
Comment: KMT2C: BP4, BS1

Labcorp Genetics (formerly Invitae), Labcorp
Classification: Benign. Last evaluated: 2025-12-30. Review status: criteria provided, single submitter. Criteria: Invitae Variant Classification Sherloc (09022015). Collection method: clinical testing. Allele origin: germline.

Blueprint Genetics
Classification: Likely benign. Last evaluated: 2024-11-20. Review status: criteria provided, single submitter. Criteria: ACMG Guidelines, 2015. Collection method: clinical testing. Allele origin: germline.

Breakthrough Genomics
Classification: Benign. Review status: criteria provided, single submitter. Criteria: ACMG Guidelines, 2015. Collection method: not provided. Allele origin: germline. Inheritance: Autosomal dominant inheritance. Affected: yes.

PreventionGenetics, part of Exact Sciences
Classification: Likely benign for KMT2C-related condition. Last evaluated: 2019-08-09. Review status: no assertion criteria provided. Collection method: clinical testing. Allele origin: germline. Not counted in ClinVar's aggregate classification.
Comment: This variant is classified as likely benign based on ACMG/AMP sequence variant interpretation guidelines (Richards et al. 2015 PMID: 25741868, with internal and published modifications).

ITMI
No classification provided. Condition: AllHighlyPenetrant. Last evaluated: 2013-09-19. Review status: no classification provided. Collection method: reference population. Allele origin: germline. Not counted in ClinVar's aggregate classification.
Comment: Please see associated publication for description of ethnicities

Clinical Genetics DNA and cytogenetics Diagnostics Lab, Erasmus MC, Erasmus Medical Center
Classification: Likely benign. Review status: no assertion criteria provided. Collection method: clinical testing. Allele origin: germline. Affected: yes. Study: VKGL Data-share Consensus. Not counted in ClinVar's aggregate classification.

Diagnostic Laboratory, Department of Genetics, University Medical Center Groningen
Classification: Likely benign. Review status: no assertion criteria provided. Collection method: clinical testing. Allele origin: germline. Affected: yes. Study: VKGL Data-share Consensus. Not counted in ClinVar's aggregate classification.

Literature cited by the submitters: PubMed 24728327 (cited by ITMI).

NM_170606.3(KMT2C):c.5587C>G (p.Pro1863Ala)

Gene: KMT2C (lysine methyltransferase 2C; minus strand). Cytogenetic location: 7q36.1.
Variant type: single nucleotide variant.
Coding change: c.5587C>G on transcript NM_170606.3 (MANE Select); coding-DNA position 5587, C replaced by G.
Protein change: p.Pro1863Ala; replaces proline 1863 with alanine.
Molecular consequence: missense variant.
Genome position (GRCh38, 1-based): chr7:152,182,273, G>C on the plus strand (C>G on the coding strand, the complement: KMT2C is on the minus strand). VCF-style: chr7-152182273-G-C. GRCh37 (hg19) VCF-style: chr7-151879358-G-C.
Other names: c.5587C>G (NM_170606.2); short protein forms P1863A.
Identifiers: ClinVar variation 134757 (VCV000134757.35), dbSNP rs142070663, ClinGen allele CA160685.